The following is an entry in ClinVar:

NM_006231.4(POLE):c.1293del (p.Lys431fs)

Gene: POLE (DNA polymerase epsilon, catalytic subunit; minus strand). Cytogenetic location: 12q24.33.
Variant type: Deletion.
Coding change: c.1293del on transcript NM_006231.4 (MANE Select); coding-DNA position 1293, one base deleted (G; older notation c.1293delG).
Protein change: p.Lys431fs; shifts the reading frame from lysine 431.
Molecular consequence: frameshift variant.
Genome position (GRCh38, 1-based): chr12:132,673,641, C deleted on the plus strand (G on the coding strand, the reverse complement: POLE is on the minus strand). VCF-style (leftmost placement, unchanged base first): chr12-132673640-GC-G. GRCh37 (hg19) VCF-style: chr12-133250226-GC-G.
Other names: short protein forms K431fs.
Identifiers: ClinVar variation 818824 (VCV000818824.10), dbSNP rs1593073279, ClinGen allele CA915946757.
Genomic context (GRCh38, chr12:132,673,640, plus strand): 5'-GCTGCTCCGTGGCCATCCGGCACATGTCCTCCGGGTCTAGCTCCACGGGATCATAGCCTA[GC>G]TTGGCCTTGGCGGCCGCCTTGAGATTATGACTGCCCACAGGAAGGTAACTGTCCCTCTTC-3'

ClinVar aggregate classification (germline): Conflicting classifications of pathogenicity. Review status: criteria provided, conflicting classifications (1 of 4 stars). 2 submissions from 2 submitters: Pathogenic (1); Uncertain significance (1). Last evaluated 2025-01-30.

Conditions:
Hereditary cancer-predisposing syndrome. Also called: Tumor predisposition; Hereditary neoplastic syndrome; Neoplastic Syndromes, Hereditary; Hereditary Cancer Syndrome. Identifiers: Orphanet 140162, MedGen C0027672, MeSH D009386, MONDO:0015356.

Submissions (2):

Ambry Genetics
Classification: Uncertain significance for Hereditary cancer-predisposing syndrome. Last evaluated: 2025-01-30. Review status: criteria provided, single submitter. Criteria: Ambry Variant Classification Scheme 2023. Collection method: clinical testing. Allele origin: germline.
Comment: The c.1293delG variant, located in coding exon 13 of the POLE gene, results from a deletion of one nucleotide at nucleotide position 1293, causing a translational frameshift with a predicted alternate stop codon (p.K431Nfs*2). This alteration is expected to result in loss of function by premature protein truncation or nonsense-mediated mRNA decay. Although biallelic loss of function of POLE has been associated with autosomal recessive POLE deficiency, haploinsufficiency of POLE has not been established as a mechanism of disease for POLE-related polymerase proofreading-associated polyposis (PPAP) and POLE-related CMMRD-like syndrome. Based on the supporting evidence, this variant is expected to be causative of POLE deficiency when present along with a second pathogenic variant on the other allele; however, its clinical significance for PPAP and POLE-related CMMRD-like syndrome is unclear.

Labcorp Genetics (formerly Invitae), Labcorp
Classification: Pathogenic. Last evaluated: 2022-05-12. Review status: criteria provided, single submitter. Criteria: Invitae Variant Classification Sherloc (09022015). Collection method: clinical testing. Allele origin: germline.
Comment: This sequence change creates a premature translational stop signal (p.Lys431Asnfs*2) in the POLE gene. It is expected to result in an absent or disrupted protein product. Loss-of-function variants in POLE are known to be pathogenic (PMID: 23230001, 25948378, 30503519). This variant is not present in population databases (gnomAD no frequency). For these reasons, this variant has been classified as Pathogenic. ClinVar contains an entry for this variant (Variation ID: 818824). This variant has not been reported in the literature in individuals affected with POLE-related conditions.

Literature cited by the submitters: PubMed 23230001 (cited by Labcorp Genetics (formerly Invitae), Labcorp); PubMed 25948378 (cited by Labcorp Genetics (formerly Invitae), Labcorp); PubMed 30503519 (cited by Labcorp Genetics (formerly Invitae), Labcorp).